The following is an entry in ClinVar:

ClinVar aggregate classification (germline): Uncertain significance. Review status: criteria provided, multiple submitters, no conflicts (2 of 4 stars). 2 submissions from 2 submitters: Uncertain significance (2). Last evaluated 2024-08-22.

Allele frequency attached by ClinVar (database versions not stated): 1000 Genomes Project 0.00020; TOPMed 0.00034; ESP Exome Variant Server 0.00031; 1000 Genomes Project 30x 0.00016; ExAC 0.00012; gnomAD 0.00029 and 0.00031.
gnomAD v4.1: 98 of 1,614,258 alleles (0.0061%); highest among the groups gnomAD compares: African/African-American, 0.11%; no homozygotes.

Submissions (2):

Blueprint Genetics
Classification: Uncertain significance. Last evaluated: 2024-08-22. Review status: criteria provided, single submitter. Criteria: ACMG Guidelines, 2015. Collection method: clinical testing. Allele origin: germline.

Labcorp Genetics (formerly Invitae), Labcorp
Classification: Uncertain significance. Last evaluated: 2022-08-23. Review status: criteria provided, single submitter. Criteria: Invitae Variant Classification Sherloc (09022015). Collection method: clinical testing. Allele origin: germline.
Comment: This sequence change replaces valine, which is neutral and non-polar, with isoleucine, which is neutral and non-polar, at codon 504 of the SLC45A2 protein (p.Val504Ile). This variant is present in population databases (rs149233226, gnomAD 0.1%). This missense change has been observed in individual(s) with oculocutaneous albinism type 4 (PMID: 29345414). ClinVar contains an entry for this variant (Variation ID: 1347593). Algorithms developed to predict the effect of missense changes on protein structure and function are either unavailable or do not agree on the potential impact of this missense change (SIFT: "Tolerated"; PolyPhen-2: "Probably Damaging"; Align-GVGD: "Class C0"). This variant disrupts the p.Val504 amino acid residue in SLC45A2. Other variant(s) that disrupt this residue have been observed in individuals with SLC45A2-related conditions (PMID: 29345414), which suggests that this may be a clinically significant amino acid residue. In summary, the available evidence is currently insufficient to determine the role of this variant in disease. Therefore, it has been classified as a Variant of Uncertain Significance.

Literature cited by the submitters: PubMed 29345414 (cited by Labcorp Genetics (formerly Invitae), Labcorp).

NM_016180.5(SLC45A2):c.1510G>A (p.Val504Ile)

Gene: SLC45A2 (solute carrier family 45 member 2; minus strand). Cytogenetic location: 5p13.2.
Variant type: single nucleotide variant.
Coding change: c.1510G>A on transcript NM_016180.5 (MANE Select); coding-DNA position 1510, G replaced by A.
Protein change: p.Val504Ile; replaces valine 504 with isoleucine.
Molecular consequence: missense variant.
Genome position (GRCh38, 1-based): chr5:33,944,731, C>T on the plus strand (G>A on the coding strand, the complement: SLC45A2 is on the minus strand). VCF-style: chr5-33944731-C-T. GRCh37 (hg19) VCF-style: chr5-33944836-C-T.
Other names: short protein forms V504I.
Identifiers: ClinVar variation 1347593 (VCV001347593.6), dbSNP rs149233226, ClinGen allele CA3225435.
Genomic context (GRCh38, chr5:33,944,731, plus strand): 5'-GAGCGACAAAGCAACAGCCTATCAGTGCCACCGCAGACGCTGTGATCACCACGACGACAA[C>T]GGTCCCGGCTGTGTTGACCAGAAAGCCCAGGCCACCTCCGACCAGGATCTGAGCCAGCTG-3'
Protein context (NP_057264.4, residues 494-514): LGFLVNTAGT[Val504Ile]VVVVITASAV